The following is an entry in ClinVar:

ClinVar aggregate classification (germline): VUS-mid (1 of 4 stars; one submission).

Conditions:
Ehlers-Danlos syndrome due to tenascin-X deficiency (EDSCLL1). Also called: EDS DUE TO TNX DEFICIENCY; TNX DEFICIENCY; Ehlers-Danlos syndrome, classic-like, 1; EHLERS-DANLOS SYNDROME, CLASSIC-LIKE; TNXB-Related Classical-Like Ehlers-Danlos Syndrome. Identifiers: Orphanet 230839, MedGen C1848029, MONDO:0011670, OMIM 606408.

Submission:

Centre for Medical Genetics,  Mumbai
Classification: VUS-mid for Ehlers-Danlos syndrome due to tenascin-X deficiency. Last evaluated: 2026-04-22. Review status: criteria provided, single submitter. Criteria: ACMG Guidelines, 2015. Collection method: provider interpretation. Allele origin: germline. Inheritance: Autosomal recessive inheritance. Observed: 1 variant allele, 1 heterozygote.
Comment: The variant satisfies PM2 criteria - extremely low frequency in gnomAD population databases. Due to lack of sufficient clinical evidence, it should be considered as a variant of uncertain significance.

Literature cited by the submitters: PubMed 11642233.

NM_001365276.2(TNXB):c.7297G>T (p.Val2433Phe)

Gene: TNXB (tenascin XB; minus strand). Cytogenetic location: 6p21.33.
Variant type: single nucleotide variant.
Coding change: c.7297G>T on transcript NM_001365276.2 (MANE Select); coding-DNA position 7297, G replaced by T.
Protein change: p.Val2433Phe; replaces valine 2433 with phenylalanine.
Molecular consequence: missense variant.
Genome position (GRCh38, 1-based): chr6:32,061,592, C>A on the plus strand (G>T on the coding strand, the complement: TNXB is on the minus strand). VCF-style: chr6-32061592-C-A. GRCh37 (hg19) VCF-style: chr6-32029369-C-A.
Other names: c.8038G>T, p.Val2680Phe (NM_001428335.1); c.7297G>T, p.Val2433Phe (NM_019105.8); short protein forms V2433F, V2680F.
Identifiers: ClinVar variation 4852118 (VCV004852118.1).